The following is an entry in ClinVar:

NM_001130698.2(TRPC3):c.2547+3A>G

Gene: TRPC3 (transient receptor potential cation channel subfamily C member 3; minus strand). Cytogenetic location: 4q27.
Variant type: single nucleotide variant.
Coding change: c.2547+3A>G on transcript NM_001130698.2 (MANE Select); 3 bases into the intron after coding-DNA position 2547, A replaced by G.
Molecular consequence: intron variant.
Genome position (GRCh38, 1-based): chr4:121,899,609, T>C on the plus strand (A>G on the coding strand, the complement: TRPC3 is on the minus strand). VCF-style: chr4-121899609-T-C. GRCh37 (hg19) VCF-style: chr4-122820764-T-C.
Other names: c.2463+3243A>G (NM_001366479.2); c.2328+3A>G (NM_003305.2).
Identifiers: ClinVar variation 3714951 (VCV003714951.2).

ClinVar aggregate classification (germline): Uncertain significance (1 of 4 stars; one submission).

gnomAD v4.1: 92 of 1,612,026 alleles (0.0057%); highest among the groups gnomAD compares: Middle Eastern, 0.033%; no homozygotes.

Submission:

Labcorp Genetics (formerly Invitae), Labcorp
Classification: Uncertain significance. Last evaluated: 2025-02-03. Review status: criteria provided, single submitter. Criteria: Invitae Variant Classification Sherloc (09022015). Collection method: clinical testing. Allele origin: germline.
Comment: This sequence change falls in intron 10 of the TRPC3 gene. It does not directly change the encoded amino acid sequence of the TRPC3 protein. It affects a nucleotide within the consensus splice site. This variant is present in population databases (rs201667378, gnomAD 0.01%). This variant has not been reported in the literature in individuals affected with TRPC3-related conditions. Variants that disrupt the consensus splice site are a relatively common cause of aberrant splicing (PMID: 17576681, 9536098). Algorithms developed to predict the effect of sequence changes on RNA splicing suggest that this variant is not likely to affect RNA splicing. In summary, the available evidence is currently insufficient to determine the role of this variant in disease. Therefore, it has been classified as a Variant of Uncertain Significance.

Literature cited by the submitters: PubMed 17576681; PubMed 9536098.